The following is an entry in ClinVar:

NM_020821.3(VPS13C):c.8395G>A (p.Asp2799Asn)

Gene: VPS13C (vacuolar protein sorting 13 homolog C; minus strand). Cytogenetic location: 15q22.2.
Variant type: single nucleotide variant.
Coding change: c.8395G>A on transcript NM_020821.3 (MANE Select); coding-DNA position 8395, G replaced by A.
Protein change: p.Asp2799Asn; replaces aspartic acid 2799 with asparagine.
Molecular consequence: missense variant.
Genome position (GRCh38, 1-based): chr15:61,915,683, C>T on the plus strand (G>A on the coding strand, the complement: VPS13C is on the minus strand). VCF-style: chr15-61915683-C-T. GRCh37 (hg19) VCF-style: chr15-62207882-C-T.
Other names: c.8395G>A, p.Asp2799Asn (NM_001018088.3); c.8266G>A, p.Asp2756Asn (NM_017684.5, NM_018080.4); short protein forms D2756N, D2799N.
Identifiers: ClinVar variation 2105936 (VCV002105936.4), dbSNP rs2547871829, ClinGen allele CA392677499.

ClinVar aggregate classification (germline): Uncertain significance (1 of 4 stars; one submission).

Submission:

Labcorp Genetics (formerly Invitae), Labcorp
Classification: Uncertain significance. Last evaluated: 2022-03-27. Review status: criteria provided, single submitter. Criteria: Invitae Variant Classification Sherloc (09022015). Collection method: clinical testing. Allele origin: germline.
Comment: In summary, the available evidence is currently insufficient to determine the role of this variant in disease. Therefore, it has been classified as a Variant of Uncertain Significance. Algorithms developed to predict the effect of missense changes on protein structure and function are either unavailable or do not agree on the potential impact of this missense change (SIFT: "Tolerated"; PolyPhen-2: "Probably Damaging"; Align-GVGD: "Class C0"). This variant has not been reported in the literature in individuals affected with VPS13C-related conditions. This variant is not present in population databases (gnomAD no frequency). This sequence change replaces aspartic acid, which is acidic and polar, with asparagine, which is neutral and polar, at codon 2799 of the VPS13C protein (p.Asp2799Asn).